The following is an entry in ClinVar:

ClinVar aggregate classification (germline): Uncertain significance (1 of 4 stars; one submission).

Submission:

CeGaT Center for Human Genetics Tuebingen
Classification: Uncertain significance. Last evaluated: 2024-11-01. Review status: criteria provided, single submitter. Criteria: CeGaT Center For Human Genetics Tuebingen Variant Classification Criteria Version 2. Collection method: clinical testing. Allele origin: germline. Affected: yes. Observed: 1 variant allele.
Comment: PALB2: PM2, BP4

NM_024675.4(PALB2):c.3202-17T>G

Gene: PALB2 (partner and localizer of BRCA2; minus strand). Cytogenetic location: 16p12.2.
Variant type: single nucleotide variant.
Coding change: c.3202-17T>G on transcript NM_024675.4 (MANE Select); 17 bases into the intron before coding-DNA position 3202, T replaced by G.
Molecular consequence: intron variant.
Genome position (GRCh38, 1-based): chr16:23,608,029, A>C on the plus strand (T>G on the coding strand, the complement: PALB2 is on the minus strand). VCF-style: chr16-23608029-A-C. GRCh37 (hg19) VCF-style: chr16-23619350-A-C.
Other names: c.2229-4360T>G (NM_001407308.1, NM_001407309.1); c.2317-17T>G (NM_001407306.1, NM_001407305.1, NM_001407304.1); c.736-17T>G (NM_001407314.1); c.1414-4360T>G (NM_001407313.1); c.1414-17T>G (NM_001407312.1); c.3142-17T>G (NM_001407296.1); c.3130-17T>G (NM_001407297.1); c.3040-4360T>G (NM_001407302.1); and 6 more.
Identifiers: ClinVar variation 3390151 (VCV003390151.14).